The following is an entry in ClinVar:

NM_005359.6(SMAD4):c.370G>A (p.Asp124Asn)

Gene: SMAD4 (SMAD family member 4; plus strand). Cytogenetic location: 18q21.2.
Variant type: single nucleotide variant.
Coding change: c.370G>A on transcript NM_005359.6 (MANE Select); coding-DNA position 370, G replaced by A.
Protein change: p.Asp124Asn; replaces aspartic acid 124 with asparagine.
Molecular consequence: missense variant. On other transcripts: non-coding transcript variant (2).
Genome position (GRCh38, 1-based): chr18:51,048,806, G>A. VCF-style: chr18-51048806-G-A. GRCh37 (hg19) VCF-style: chr18-48575176-G-A.
Other names: c.370G>A, p.Asp124Asn (NM_001407041.1, NM_001407042.1, NM_001407043.1); short protein forms D124N.
Identifiers: ClinVar variation 3238412 (VCV003238412.1), dbSNP rs2144405905.
Genomic context (GRCh38, chr18:51,048,806, plus strand): 5'-CTTCACAAAAATGAACTAAAACATGTTAAATATTGTCAGTATGCGTTTGACTTAAAATGT[G>A]ATAGTGTCTGTGTGAATCCATATCACTACGAACGAGTTGTATCACCTGGAATTGGTAAGT-3'
Protein context (NP_005350.1, residues 114-134): YCQYAFDLKC[Asp124Asn]SVCVNPYHYE

ClinVar aggregate classification (germline): Uncertain significance (1 of 4 stars; one submission).

Conditions:
Hereditary cancer-predisposing syndrome. Also called: Neoplastic Syndromes, Hereditary; Tumor predisposition; Hereditary neoplastic syndrome; Hereditary Cancer Syndrome. Identifiers: Orphanet 140162, MedGen C0027672, MeSH D009386, MONDO:0015356.
Familial thoracic aortic aneurysm and aortic dissection (TAAD). Also called: Thoracic aortic aneurysms and dissections. Identifiers: Orphanet 91387, MedGen C4707243, MONDO:0019625.

Submission:

Ambry Genetics
Classification: Uncertain significance for Hereditary cancer-predisposing syndrome; Familial thoracic aortic aneurysm and aortic dissection. Last evaluated: 2023-11-01. Review status: criteria provided, single submitter. Criteria: Ambry Variant Classification Scheme 2023. Collection method: clinical testing. Allele origin: germline.
Comment: The p.D124N variant (also known as c.370G>A), located in coding exon 2 of the SMAD4 gene, results from a G to A substitution at nucleotide position 370. The aspartic acid at codon 124 is replaced by asparagine, an amino acid with highly similar properties. This amino acid position is highly conserved in available vertebrate species. In addition, this alteration is predicted to be tolerated by in silico analysis. Since supporting evidence is limited at this time, the clinical significance of this alteration remains unclear.